The following is an entry in ClinVar:

ClinVar aggregate classification (germline): Uncertain significance (1 of 4 stars; one submission).

Allele frequency attached by ClinVar (database versions not stated): gnomAD exomes below 0.00001.
gnomAD v4.1: 1 of 1,614,098 alleles (0.000062%); highest among the groups gnomAD compares: Non-Finnish European, 0.000085%; no homozygotes.

Submission:

Labcorp Genetics (formerly Invitae), Labcorp
Classification: Uncertain significance. Last evaluated: 2021-11-29. Review status: criteria provided, single submitter. Criteria: Invitae Variant Classification Sherloc (09022015). Collection method: clinical testing. Allele origin: germline.
Comment: This variant is not present in population databases (gnomAD no frequency). In summary, the available evidence is currently insufficient to determine the role of this variant in disease. Therefore, it has been classified as a Variant of Uncertain Significance. Algorithms developed to predict the effect of missense changes on protein structure and function (SIFT, PolyPhen-2, Align-GVGD) all suggest that this variant is likely to be tolerated. This variant has not been reported in the literature in individuals affected with SLC25A12-related conditions. This sequence change replaces serine, which is neutral and polar, with threonine, which is neutral and polar, at codon 183 of the SLC25A12 protein (p.Ser183Thr).

NM_003705.5(SLC25A12):c.548G>C (p.Ser183Thr)

Gene: SLC25A12 (solute carrier family 25 member 12; minus strand). Cytogenetic location: 2q31.1.
Variant type: single nucleotide variant.
Coding change: c.548G>C on transcript NM_003705.5 (MANE Select); coding-DNA position 548, G replaced by C.
Protein change: p.Ser183Thr; replaces serine 183 with threonine.
Molecular consequence: missense variant. On other transcripts: non-coding transcript variant (1).
Genome position (GRCh38, 1-based): chr2:171,837,185, C>G on the plus strand (G>C on the coding strand, the complement: SLC25A12 is on the minus strand). VCF-style: chr2-171837185-C-G. GRCh37 (hg19) VCF-style: chr2-172693695-C-G.
Other names: short protein forms S183T.
Identifiers: ClinVar variation 1395730 (VCV001395730.6), dbSNP rs2105888897, ClinGen allele CA349623537.
Genomic context (GRCh38, chr2:171,837,185, plus strand): 5'-ACTAAGTTCTCCTCCACAAAAGGAGTAAGCATGTGAGATCTAATGGTAACCATGATGTCA[C>G]TGAAATCCAGACCAGAAATCATGCCACTTTTGCTTTTGTCTTTGAGTGCAAAGGCTTGTC-3'
Protein context (NP_003696.2, residues 173-193): KSGMISGLDF[Ser183Thr]DIMVTIRSHM